The following is an entry in ClinVar:

NM_006329.4(FBLN5):c.893C>T (p.Thr298Met)

Gene: FBLN5 (fibulin 5; minus strand). Cytogenetic location: 14q32.12.
Variant type: single nucleotide variant.
Coding change: c.893C>T on transcript NM_006329.4 (MANE Select); coding-DNA position 893, C replaced by T.
Protein change: p.Thr298Met; replaces threonine 298 with methionine.
Molecular consequence: missense variant.
Genome position (GRCh38, 1-based): chr14:91,881,388, G>A on the plus strand (C>T on the coding strand, the complement: FBLN5 is on the minus strand). VCF-style: chr14-91881388-G-A. GRCh37 (hg19) VCF-style: chr14-92347732-G-A.
Other names: c.1016C>T, p.Thr339Met (NM_001384158.1); c.944C>T, p.Thr315Met (NM_001384159.1); c.893C>T, p.Thr298Met (NM_001384160.1); c.725C>T, p.Thr242Met (NM_001384161.1, NM_001384162.1); short protein forms T242M, T298M, T315M, T339M.
Identifiers: ClinVar variation 3613979 (VCV003613979.3).
Genomic context (GRCh38, chr14:91,881,388, plus strand): 5'-ATGGGGTCAATGCATTTGAAGCCCCCTTGTAAATTGTAGCACGTCTGCTGCAGGTTGCAC[G>A]TGTGGTTCCTGTGCTCACATTCGTTGATGTCTGAAATGCAGGGGAGACAAGAAGCGGAGG-3'
Protein context (NP_006320.2, residues 288-308): DINECEHRNH[Thr298Met]CNLQQTCYNL

ClinVar aggregate classification (germline): Uncertain significance. Review status: criteria provided, multiple submitters, no conflicts (2 of 4 stars). 2 submissions from 2 submitters: Uncertain significance (2). Last evaluated 2025-11-04.

gnomAD v4.1: 5 of 1,614,148 alleles (0.00031%); highest among the groups gnomAD compares: Non-Finnish European, 0.00025%; no homozygotes.

Submissions (2):

Labcorp Genetics (formerly Invitae), Labcorp
Classification: Uncertain significance. Last evaluated: 2025-11-04. Review status: criteria provided, single submitter. Criteria: Invitae Variant Classification Sherloc (09022015). Collection method: clinical testing. Allele origin: germline.
Comment: This sequence change replaces threonine, which is neutral and polar, with methionine, which is neutral and non-polar, at codon 298 of the FBLN5 protein (p.Thr298Met). This variant is present in population databases (rs771425892, gnomAD 0.004%). This variant has not been reported in the literature in individuals affected with FBLN5-related conditions. ClinVar contains an entry for this variant (Variation ID: 3613979). Invitae Evidence Modeling of protein sequence and biophysical properties (such as structural, functional, and spatial information, amino acid conservation, physicochemical variation, residue mobility, and thermodynamic stability) indicates that this missense variant is not expected to disrupt FBLN5 protein function with a negative predictive value of 80%. In summary, the available evidence is currently insufficient to determine the role of this variant in disease. Therefore, it has been classified as a Variant of Uncertain Significance.

Blueprint Genetics
Classification: Uncertain significance. Last evaluated: 2024-09-23. Review status: criteria provided, single submitter. Criteria: ACMG Guidelines, 2015. Collection method: clinical testing. Allele origin: germline.